The following is an entry in ClinVar:

NM_025233.7(COASY):c.553_557del (p.Lys185fs)

Gene: COASY (Coenzyme A synthase; plus strand). Cytogenetic location: 17q21.2.
Variant type: Deletion.
Coding change: c.553_557del on transcript NM_025233.7 (MANE Select); coding-DNA positions 553 to 557, 5 bases deleted (AAGCA; older notation c.553_557delAAGCA).
Protein change: p.Lys185fs; shifts the reading frame from lysine 185.
Molecular consequence: frameshift variant.
Genome position (GRCh38, 1-based): chr17:42,563,175-42,563,179, AAGCA deleted; deleting any 5 consecutive bases within chr17:42,563,173-42,563,179 gives the same sequence; the c. name uses the placement nearest the transcript's 3' end. VCF-style (leftmost placement, unchanged base first): chr17-42563172-CCAAAG-C. GRCh37 (hg19) VCF-style: chr17-40715190-CCAAAG-C.
Other names: c.553_557del, p.Lys185fs (NM_001042529.3); c.640_644del, p.Lys214fs (NM_001042532.4); short protein forms K185fs, K214fs.
Identifiers: ClinVar variation 2267374 (VCV002267374.2), dbSNP rs2510678658, ClinGen allele CA2580093737.
Genomic context (GRCh38, chr17:42,563,172, plus strand): 5'-GAGCCCCTGGATGTCCCCTTACCCTCCACGATCAGGCCAGCTTCCCCCGTGGCCGGGTCT[CCAAAG>C]CAGCCGGTGCGTGGCTACTACCGTGGCGCTGTCGGTGGCACGTTTGACCGCCTGCACAAC-3'

ClinVar aggregate classification (germline): Pathogenic (1 of 4 stars; one submission).

Submission:

Ambry Genetics
Classification: Pathogenic. Last evaluated: 2022-02-01. Review status: criteria provided, single submitter. Criteria: Ambry Variant Classification Scheme 2023. Collection method: clinical testing. Allele origin: germline.
Comment: The c.640_644delAAGCA (p.K214Afs*15) alteration, located in exon 3 (coding exon 2) of the COASY gene, consists of a deletion of 5 nucleotides from position 640 to 644, causing a translational frameshift with a predicted alternate stop codon after 15 amino acids. This alteration is expected to result in loss of function by premature protein truncation or nonsense-mediated mRNA decay. This variant was not reported in population-based cohorts in the Genome Aggregation Database (gnomAD). Based on the available evidence, this alteration is classified as pathogenic.